The following is an entry in ClinVar:

NM_001009944.3(PKD1):c.7421dup (p.Ser2475fs)

Gene: PKD1 (polycystin 1, transient receptor potential channel interacting; minus strand). Cytogenetic location: 16p13.3.
Variant type: Duplication.
Coding change: c.7421dup on transcript NM_001009944.3 (MANE Select); coding-DNA position 7421, one base duplicated (G; older notation c.7421dupG).
Protein change: p.Ser2475fs; shifts the reading frame from serine 2475.
Molecular consequence: frameshift variant.
Genome position (GRCh38, 1-based): chr16:2,106,466, C duplicated on the plus strand (G on the coding strand, the reverse complement: PKD1 is on the minus strand); the first of 6 consecutive C bases (chr16:2,106,466-2,106,471); duplicating any one gives the same sequence. VCF-style (leftmost placement, unchanged base first): chr16-2106465-G-GC. GRCh37 (hg19) VCF-style: chr16-2156466-G-GC.
Other names: c.7421dupG (NM_001009944.2); c.7421dup, p.Ser2475fs (NM_000296.4); short protein forms S2475fs.
Identifiers: ClinVar variation 3335831 (VCV003335831.18).

ClinVar aggregate classification (germline): Pathogenic. Review status: criteria provided, multiple submitters, no conflicts (2 of 4 stars). 4 submissions from 4 submitters: Pathogenic (3). 1 of the submissions does not count toward it. Last evaluated 2024-11-01.

Conditions:
PKD1-related disorder. Also called: PKD1-related condition.
Polycystic kidney disease, adult type (PKD1). Also called: Polycystic Kidney Disease 1, Autosomal Dominant; Polycystic kidney disease 1; Polycystic kidney disease 1, severe; Polycystic Kidney, Autosomal Dominant; POLYCYSTIC KIDNEY DISEASE, ADULT, TYPE I; POLYCYSTIC KIDNEY DISEASE 1 WITH OR WITHOUT POLYCYSTIC LIVER DISEASE. Identifiers: MedGen C3149841, MONDO:0008263, OMIM 173900.

Submissions (4):

CeGaT Center for Human Genetics Tuebingen
Classification: Pathogenic. Last evaluated: 2024-11-01. Review status: criteria provided, single submitter. Criteria: CeGaT Center For Human Genetics Tuebingen Variant Classification Criteria Version 2. Collection method: clinical testing. Allele origin: germline. Affected: yes. Observed: 1 variant allele.
Comment: PKD1: PVS1, PM2, PM6

Fulgent Genetics
Classification: Pathogenic for Polycystic kidney disease, adult type. Last evaluated: 2024-06-10. Review status: criteria provided, single submitter. Criteria: ACMG Guidelines, 2015. Collection method: clinical testing. Allele origin: germline.

Juno Genomics, Hangzhou Juno Genomics, Inc
Classification: Pathogenic for Polycystic kidney disease, adult type. Review status: criteria provided, single submitter. Criteria: ACMG Guidelines, 2015. Collection method: clinical testing. Allele origin: germline. Affected: yes.
Comment: Absent from controls (or at extremely low frequency if recessive) in Genome Aggregation Database, Exome Sequencing Project, 1000 Genomes Project, or Exome Aggregation Consortium.;Patient's phenotype or family history is highly specific for a disease with a single genetic etiology.;Null variant in a gene where loss of function (LOF) is a known mechanism of disease.;The prevalence of the variant in affected individuals is significantly increased compared to the prevalence in controls.;Assumed de novo, but without confirmation of paternity and maternity.

PreventionGenetics, part of Exact Sciences
Classification: Pathogenic for PKD1-related condition. Last evaluated: 2024-03-27. Review status: no assertion criteria provided. Collection method: clinical testing. Allele origin: germline. Not counted in ClinVar's aggregate classification.
Comment: The PKD1 c.7421dupG variant is predicted to result in a frameshift and premature protein termination (p.Ser2475Leufs*26). This variant was reported in an individual with autosomal dominant polycystic kidney disease (ADPKD) (Al Alawi et al. 2019. PubMed ID: 31844813). This variant is reported in 0.010% of alleles in individuals of European (Finnish) descent in gnomAD. Frameshift variants in PKD1 are expected to be pathogenic. This variant is interpreted as pathogenic.